The following is an entry in ClinVar:

ClinVar aggregate classification (germline): Uncertain significance (1 of 4 stars; one submission).

Conditions:
Neuropathy, hereditary sensory and autonomic, type 2A (HSAN2A). Also called: HSAN IIA; WNK1-Related HSAN2 (HSAN2A); ACROOSTEOLYSIS, GIACCAI TYPE; ACROOSTEOLYSIS, NEUROGENIC; MORVAN DISEASE; NEUROPATHY, CONGENITAL SENSORY. Identifiers: Orphanet 970, MedGen C2752089, MONDO:0024309, OMIM 201300.
Generalized epilepsy with febrile seizures plus, type 7 (GEFSP7). Also called: GEFS+, TYPE 7. Identifiers: Orphanet 36387, MedGen C2751778, MONDO:0013470, OMIM 613863.

gnomAD v4.1: 1 of 1,585,318 alleles (0.000063%); highest among the groups gnomAD compares: African/African-American, 0.0013%; no homozygotes.

Submission:

Labcorp Genetics (formerly Invitae), Labcorp
Classification: Uncertain significance for Neuropathy, hereditary sensory and autonomic, type 2A; Generalized epilepsy with febrile seizures plus, type 7. Last evaluated: 2023-05-23. Review status: criteria provided, single submitter. Criteria: Invitae Variant Classification Sherloc (09022015). Collection method: clinical testing. Allele origin: germline.
Comment: This sequence change replaces aspartic acid, which is acidic and polar, with asparagine, which is neutral and polar, at codon 732 of the SCN9A protein (p.Asp732Asn). This variant is not present in population databases (gnomAD no frequency). This variant has not been reported in the literature in individuals affected with SCN9A-related conditions. Advanced modeling of protein sequence and biophysical properties (such as structural, functional, and spatial information, amino acid conservation, physicochemical variation, residue mobility, and thermodynamic stability) performed at Invitae indicates that this missense variant is not expected to disrupt SCN9A protein function. In summary, the available evidence is currently insufficient to determine the role of this variant in disease. Therefore, it has been classified as a Variant of Uncertain Significance.

NM_001365536.1(SCN9A):c.2227G>A (p.Asp743Asn)

Genes: SCN1A-AS1 (SCN1A and SCN9A antisense RNA 1; plus strand), SCN9A (sodium voltage-gated channel alpha subunit 9; minus strand). Cytogenetic location: 2q24.3.
Variant type: single nucleotide variant.
Coding change: c.2227G>A on transcript NM_001365536.1 (MANE Select); coding-DNA position 2227, G replaced by A.
Protein change: p.Asp743Asn; replaces aspartic acid 743 with asparagine.
Molecular consequence: missense variant.
Genome position (GRCh38, 1-based): chr2:166,280,473, C>T on the plus strand (G>A on the coding strand, the complement: SCN9A is on the minus strand). VCF-style: chr2-166280473-C-T. GRCh37 (hg19) VCF-style: chr2-167136983-C-T.
Other names: c.2194G>A, p.Asp732Asn (NM_002977.4); short protein forms D732N, D743N.
Identifiers: ClinVar variation 2944861 (VCV002944861.3), dbSNP rs1186212683, ClinGen allele CA349079677.